The following is an entry in ClinVar:

ClinVar aggregate classification (germline): Uncertain significance. Review status: criteria provided, multiple submitters, no conflicts (2 of 4 stars). 2 submissions from 2 submitters: Uncertain significance (2). Last evaluated 2025-11-12.

gnomAD v4.1: 1 of 1,614,258 alleles (0.000062%); highest among the groups gnomAD compares: Non-Finnish European, 0.000085%; no homozygotes.

Submissions (2):

Labcorp Genetics (formerly Invitae), Labcorp
Classification: Uncertain significance. Last evaluated: 2025-11-12. Review status: criteria provided, single submitter. Criteria: Invitae Variant Classification Sherloc (09022015). Collection method: clinical testing. Allele origin: germline.
Comment: This sequence change replaces leucine, which is neutral and non-polar, with phenylalanine, which is neutral and non-polar, at codon 60 of the GSN protein (p.Leu60Phe). This variant is not present in population databases (gnomAD no frequency). This variant has not been reported in the literature in individuals affected with GSN-related conditions. An algorithm developed to predict the effect of missense changes on protein structure and function (PolyPhen-2) suggests that this variant is likely to be tolerated. In summary, the available evidence is currently insufficient to determine the role of this variant in disease. Therefore, it has been classified as a Variant of Uncertain Significance.

Blueprint Genetics
Classification: Uncertain significance. Last evaluated: 2022-09-29. Review status: criteria provided, single submitter. Criteria: ACMG Guidelines, 2015. Collection method: clinical testing. Allele origin: germline.

NM_198252.3(GSN):c.25C>T (p.Leu9Phe)

Gene: GSN (gelsolin; plus strand). Cytogenetic location: 9q33.2.
Variant type: single nucleotide variant.
Coding change: c.25C>T on transcript NM_198252.3 (MANE Select); coding-DNA position 25, C replaced by T.
Protein change: p.Leu9Phe; replaces leucine 9 with phenylalanine.
Molecular consequence: missense variant. On other transcripts: intron variant (1).
Genome position (GRCh38, 1-based): chr9:121,301,996, C>T. VCF-style: chr9-121301996-C-T. GRCh37 (hg19) VCF-style: chr9-124064274-C-T.
Other names: c.178C>T, p.Leu60Phe (NM_000177.5); c.25C>T, p.Leu9Phe (NM_001127662.2, NM_001127664.2, NM_001127665.2 and 10 more transcripts); c.133C>T, p.Leu45Phe (NM_001127663.2); c.58C>T, p.Leu20Phe (NM_001127666.2, NM_001127667.2, NM_001353063.2 and 13 more transcripts); c.76C>T, p.Leu26Phe (NM_001258029.2); c.49C>T, p.Leu17Phe (NM_001258030.2); c.97C>T, p.Leu33Phe (NM_001353076.2); c.-458-915C>T (NM_001353078.2); short protein forms L45F, L20F, L33F, L60F, L17F, L26F, L9F.
Identifiers: ClinVar variation 4728529 (VCV004728529.2).